The following is an entry in ClinVar:

ClinVar aggregate classification (germline): Uncertain significance (1 of 4 stars; one submission).

Allele frequency attached by ClinVar (database versions not stated): gnomAD exomes below 0.00001; TOPMed 0.00001.
gnomAD v4.1: 2 of 1,608,548 alleles (0.00012%); highest among the groups gnomAD compares: Non-Finnish European, 0.00017%; no homozygotes.

Submission:

Labcorp Genetics (formerly Invitae), Labcorp
Classification: Uncertain significance. Last evaluated: 2021-03-15. Review status: criteria provided, single submitter. Criteria: Invitae Variant Classification Sherloc (09022015). Collection method: clinical testing. Allele origin: germline.
Comment: In summary, the available evidence is currently insufficient to determine the role of this variant in disease. Therefore, it has been classified as a Variant of Uncertain Significance. Algorithms developed to predict the effect of missense changes on protein structure and function (SIFT, PolyPhen-2, Align-GVGD) all suggest that this variant is likely to be tolerated, but these predictions have not been confirmed by published functional studies and their clinical significance is uncertain. This variant has not been reported in the literature in individuals with CTR9-related conditions. This variant is not present in population databases (ExAC no frequency). This sequence change replaces serine with glycine at codon 286 of the CTR9 protein (p.Ser286Gly). The serine residue is moderately conserved and there is a small physicochemical difference between serine and glycine.

NM_014633.5(CTR9):c.856A>G (p.Ser286Gly)

Gene: CTR9 (CTR9 homolog, Paf1/RNA polymerase II complex component; plus strand). Cytogenetic location: 11p15.4.
Variant type: single nucleotide variant.
Coding change: c.856A>G on transcript NM_014633.5 (MANE Select); coding-DNA position 856, A replaced by G.
Protein change: p.Ser286Gly; replaces serine 286 with glycine.
Molecular consequence: missense variant.
Genome position (GRCh38, 1-based): chr11:10,763,437, A>G. VCF-style: chr11-10763437-A-G. GRCh37 (hg19) VCF-style: chr11-10784984-A-G.
Other names: c.856A>G, p.Ser286Gly (NM_001346279.2); short protein forms S286G.
Identifiers: ClinVar variation 1401721 (VCV001401721.6), dbSNP rs1206860654, ClinGen allele CA379663907.